The following is an entry in ClinVar:

ClinVar aggregate classification (germline): Likely benign (0 of 4 stars; one submission).

Conditions:
CHD4-related disorder. Also called: CHD4-related condition.

Allele frequency attached by ClinVar (database versions not stated): gnomAD exomes 0.00004; gnomAD 0.00007; ExAC 0.00008; TOPMed 0.00004.
gnomAD v4.1: 76 of 1,614,112 alleles (0.0047%); highest among the groups gnomAD compares: Non-Finnish European, 0.0035%; no homozygotes.

Submission:

PreventionGenetics, part of Exact Sciences
Classification: Likely benign for CHD4-related condition. Last evaluated: 2023-01-31. Review status: no assertion criteria provided. Collection method: clinical testing. Allele origin: germline.
Comment: This variant is classified as likely benign based on ACMG/AMP sequence variant interpretation guidelines (Richards et al. 2015 PMID: 25741868, with internal and published modifications).

NM_001273.5(CHD4):c.5289G>A (p.Glu1763=)

Genes: CHD4 (chromodomain helicase DNA binding protein 4; minus strand), CHD4-AS1 (CHD4 antisense RNA 1; plus strand). Cytogenetic location: 12p13.31.
Variant type: single nucleotide variant.
Coding change: c.5289G>A on transcript NM_001273.5 (MANE Select); coding-DNA position 5289, G replaced by A.
Protein change: p.Glu1763=; no amino-acid change (glutamic acid 1763 retained).
Molecular consequence: synonymous variant.
Genome position (GRCh38, 1-based): chr12:6,577,857, C>T on the plus strand (G>A on the coding strand, the complement: CHD4 is on the minus strand). VCF-style: chr12-6577857-C-T. GRCh37 (hg19) VCF-style: chr12-6687023-C-T.
Other names: c.5268G>A, p.Glu1756= (NM_001297553.2); c.5256G>A, p.Glu1752= (NM_001363606.2).
Identifiers: ClinVar variation 3053892 (VCV003053892.2), dbSNP rs71584867, ClinGen allele CA6411256.